The following is an entry in ClinVar:

NM_001040716.2(PC):c.3008del (p.Thr1003fs)

Gene: PC (pyruvate carboxylase; minus strand). Cytogenetic location: 11q13.2.
Variant type: Deletion.
Coding change: c.3008del on transcript NM_001040716.2 (MANE Select); coding-DNA position 3008, one base deleted (C; older notation c.3008delC).
Protein change: p.Thr1003fs; shifts the reading frame from threonine 1003.
Molecular consequence: frameshift variant.
Genome position (GRCh38, 1-based): chr11:66,849,750, G deleted on the plus strand (C on the coding strand, the reverse complement: PC is on the minus strand). VCF-style (leftmost placement, unchanged base first): chr11-66849749-CG-C. GRCh37 (hg19) VCF-style: chr11-66617220-CG-C.
Other names: c.3008del, p.Thr1003fs (NM_000920.4, NM_022172.3); short protein forms T1003fs.
Identifiers: ClinVar variation 2428441 (VCV002428441.6), dbSNP rs2495404851, ClinGen allele CA2580084560.

ClinVar aggregate classification (germline): Pathogenic (1 of 4 stars; one submission).

Conditions:
Pyruvate carboxylase deficiency. Also called: Pyruvate Carboxylase Deficiency Disease; ATAXIA WITH LACTIC ACIDOSIS II; LEIGH NECROTIZING ENCEPHALOPATHY DUE TO PYRUVATE CARBOXYLASE DEFICIENCY; LEIGH SYNDROME DUE TO PYRUVATE CARBOXYLASE DEFICIENCY; PC DEFICIENCY. Identifiers: Orphanet 3008, MedGen C0034341, MONDO:0009949, OMIM 266150.

Allele frequency attached by ClinVar (database versions not stated): gnomAD exomes below 0.00001.

Submission:

Labcorp Genetics (formerly Invitae), Labcorp
Classification: Pathogenic for Pyruvate carboxylase deficiency. Last evaluated: 2025-04-14. Review status: criteria provided, single submitter. Criteria: Invitae Variant Classification Sherloc (09022015). Collection method: clinical testing. Allele origin: germline.
Comment: This sequence change creates a premature translational stop signal (p.Thr1003Serfs*31) in the PC gene. It is expected to result in an absent or disrupted protein product. Loss-of-function variants in PC are known to be pathogenic (PMID: 12112657, 19306334). This variant is not present in population databases (gnomAD no frequency). This variant has not been reported in the literature in individuals affected with PC-related conditions. ClinVar contains an entry for this variant (Variation ID: 2428441). Algorithms developed to predict the effect of sequence changes on RNA splicing suggest that this variant may create or strengthen a splice site. For these reasons, this variant has been classified as Pathogenic.

Literature cited by the submitters: PubMed 12112657; PubMed 19306334.